The following is an entry in ClinVar:

NM_001348323.3(TRIP12):c.2021T>C (p.Phe674Ser)

Gene: TRIP12 (thyroid hormone receptor interactor 12; minus strand). Cytogenetic location: 2q36.3.
Variant type: single nucleotide variant.
Coding change: c.2021T>C on transcript NM_001348323.3 (MANE Select); coding-DNA position 2021, T replaced by C.
Protein change: p.Phe674Ser; replaces phenylalanine 674 with serine.
Molecular consequence: missense variant.
Genome position (GRCh38, 1-based): chr2:229,811,170, A>G on the plus strand (T>C on the coding strand, the complement: TRIP12 is on the minus strand). VCF-style: chr2-229811170-A-G. GRCh37 (hg19) VCF-style: chr2-230675886-A-G.
Other names: c.2021T>C, p.Phe674Ser (NM_001284214.2, NM_001348315.2, NM_001348319.1 and 11 more transcripts); c.1895T>C, p.Phe632Ser (NM_001284215.2, NM_001348316.2, NM_001348317.1 and 2 more transcripts); c.986T>C, p.Phe329Ser (NM_001284216.2); c.1934T>C, p.Phe645Ser (NM_001348332.1); c.1877T>C, p.Phe626Ser (NM_004238.3); short protein forms F329S, F626S, F632S, F645S, F674S.
Identifiers: ClinVar variation 1012686 (VCV001012686.38), dbSNP rs2047156750, ClinGen allele CA350919853.

ClinVar aggregate classification (germline): Uncertain significance (1 of 4 stars; one submission).

Allele frequency attached by ClinVar (database versions not stated): gnomAD exomes below 0.00001.
gnomAD v4.1: 1 of 1,614,072 alleles (0.000062%); highest among the groups gnomAD compares: Non-Finnish European, 0.000085%; no homozygotes.

Submission:

CeGaT Center for Human Genetics Tuebingen
Classification: Uncertain significance. Last evaluated: 2024-09-01. Review status: criteria provided, single submitter. Criteria: CeGaT Center For Human Genetics Tuebingen Variant Classification Criteria Version 2. Collection method: clinical testing. Allele origin: germline. Affected: yes. Observed: 2 variant alleles.
Comment: TRIP12: PM2